The following is an entry in ClinVar:

NM_000439.5(PCSK1):c.894del (p.Lys299fs)

Genes: CAST (calpastatin; plus strand), PCSK1 (proprotein convertase subtilisin/kexin type 1; minus strand), LOC101929710 (uncharacterized LOC101929710; plus strand). Cytogenetic location: 5q15.
Variant type: Deletion.
Coding change: c.894del on transcript NM_000439.5 (MANE Select); coding-DNA position 894, one base deleted (G; older notation c.894delG).
Protein change: p.Lys299fs; shifts the reading frame from lysine 299.
Molecular consequence: frameshift variant. On other transcripts: intron variant (11).
Genome position (GRCh38, 1-based): chr5:96,410,975, C deleted on the plus strand (G on the coding strand, the reverse complement: PCSK1 is on the minus strand); the first of 4 consecutive C bases (chr5:96,410,975-96,410,978); deleting any one gives the same sequence. VCF-style (leftmost placement, unchanged base first): chr5-96410974-TC-T. GRCh37 (hg19) VCF-style: chr5-95746678-TC-T.
Other names: c.753del, p.Lys252fs (NM_001177875.2); c.-175+31326del (NM_001423254.1, NM_001423259.1, NM_001423255.1 and 6 more transcripts); c.-103+31326del (NM_001423253.1); c.-40+31326del (NM_001423258.1); short protein forms K252fs, K299fs.
Identifiers: ClinVar variation 3350037 (VCV003350037.1).
Genomic context (GRCh38, chr5:96,410,974, plus strand): 5'-AGTCACAATTATCTCCCTGACGCCCCCCGTTTCCCGAAGCCCAGACGAAGATGGACCCCT[TC>T]CCCTGTCTCCCCTAAAGGAAAAGCCAGAATGCATATTATCTGTTATCATCTATTGGGGTC-3'

ClinVar aggregate classification (germline): Likely pathogenic (0 of 4 stars; one submission).

Conditions:
PCSK1-related disorder. Also called: PCSK1-related condition.

Submission:

PreventionGenetics, part of Exact Sciences
Classification: Likely pathogenic for PCSK1-related condition. Last evaluated: 2024-03-19. Review status: no assertion criteria provided. Collection method: clinical testing. Allele origin: germline.
Comment: The PCSK1 c.894delG variant is predicted to result in a frameshift and premature protein termination (p.Lys299Argfs*135). To our knowledge, this variant has not been reported in the literature. This variant is reported in 0.00088% of alleles in individuals of European (Non-Finnish) descent in gnomAD. Frameshift variants in PCSK1 are expected to be pathogenic. This variant is interpreted as likely pathogenic.